The following is an entry in ClinVar:

NM_001130823.3(DNMT1):c.2000G>A (p.Arg667Gln)

Gene: DNMT1 (DNA methyltransferase 1; minus strand). Cytogenetic location: 19p13.2.
Variant type: single nucleotide variant.
Coding change: c.2000G>A on transcript NM_001130823.3 (MANE Select); coding-DNA position 2000, G replaced by A.
Protein change: p.Arg667Gln; replaces arginine 667 with glutamine.
Molecular consequence: missense variant.
Genome position (GRCh38, 1-based): chr19:10,154,312, C>T on the plus strand (G>A on the coding strand, the complement: DNMT1 is on the minus strand). VCF-style: chr19-10154312-C-T. GRCh37 (hg19) VCF-style: chr19-10264988-C-T.
Other names: c.1952G>A, p.Arg651Gln (NM_001318730.2, NM_001379.4); c.1637G>A, p.Arg546Gln (NM_001318731.2); short protein forms R546Q, R651Q, R667Q.
Identifiers: ClinVar variation 3253364 (VCV003253364.1), dbSNP rs1359313210.

ClinVar aggregate classification (germline): Uncertain significance (1 of 4 stars; one submission).

Allele frequency attached by ClinVar (database versions not stated): gnomAD 0.00001; gnomAD exomes 0.00002.

Submission:

GeneDx
Classification: Uncertain significance. Last evaluated: 2023-12-09. Review status: criteria provided, single submitter. Criteria: GeneDx Variant Classification Process June 2021. Collection method: clinical testing. Allele origin: germline. Affected: yes.
Comment: Not observed at significant frequency in large population cohorts (gnomAD); In silico analysis supports that this missense variant does not alter protein structure/function; Has not been previously published as pathogenic or benign to our knowledge